The following is an entry in ClinVar:

NM_001042475.3(CEP85L):c.197C>T (p.Thr66Ile)

Gene: CEP85L (centrosomal protein 85L; minus strand). Cytogenetic location: 6q22.31.
Variant type: single nucleotide variant.
Coding change: c.197C>T on transcript NM_001042475.3 (MANE Select); coding-DNA position 197, C replaced by T.
Protein change: p.Thr66Ile; replaces threonine 66 with isoleucine.
Molecular consequence: missense variant.
Genome position (GRCh38, 1-based): chr6:118,632,488, G>A on the plus strand (C>T on the coding strand, the complement: CEP85L is on the minus strand). VCF-style: chr6-118632488-G-A. GRCh37 (hg19) VCF-style: chr6-118953651-G-A.
Other names: c.206C>T, p.Thr69Ile (NM_001178035.2); c.197C>T, p.Thr66Ile (NM_206921.3); short protein forms T66I, T69I.
Identifiers: ClinVar variation 2257186 (VCV002257186.4), dbSNP rs2533697083, ClinGen allele CA365547086.
Genomic context (GRCh38, chr6:118,632,488, plus strand): 5'-ATAAACAATAAGAATTTTAGCTCACCTTCCACGCTATCAGAACAGGAAGTTCCAATGCCA[G>A]TGTCTCCACTGTCAGAAGCTATACTGTGTCTCCTGATATGGTTATTTCGATGGTTAGATG-3'
Protein context (NP_001035940.1, residues 56-76): RHSIASDSGD[Thr66Ile]GIGTSCSDSV

ClinVar aggregate classification (germline): Uncertain significance. Review status: criteria provided, multiple submitters, no conflicts (2 of 4 stars). 2 submissions from 2 submitters: Uncertain significance (2). Last evaluated 2026-05-21.

Conditions:
Inborn genetic diseases. Identifiers: MedGen C0950123, MeSH D030342.

Submissions (2):

Ambry Genetics
Classification: Uncertain significance for Inborn genetic diseases. Last evaluated: 2026-05-21. Review status: criteria provided, single submitter. Criteria: Ambry Variant Classification Scheme 2023. Collection method: clinical testing. Allele origin: germline.
Comment: The c.197C>T (p.T66I) alteration is located in exon 2 (coding exon 2) of the CEP85L gene. This alteration results from a C to T substitution at nucleotide position 197, causing the threonine (T) at amino acid position 66 to be replaced by an isoleucine (I). This variant was not reported in population-based cohorts in the Genome Aggregation Database (gnomAD). This amino acid position is highly conserved in available vertebrate species. The in silico prediction for this alteration is inconclusive. Based on insufficient or conflicting evidence, the clinical significance of this alteration remains unclear.

GeneDx
Classification: Uncertain significance. Last evaluated: 2024-08-09. Review status: criteria provided, single submitter. Criteria: GeneDx Variant Classification Process June 2021. Collection method: clinical testing. Allele origin: germline. Affected: yes.
Comment: Not observed at significant frequency in large population cohorts (gnomAD); In silico analysis supports that this missense variant has a deleterious effect on protein structure/function; Has not been previously published as pathogenic or benign to our knowledge